The following is an entry in ClinVar:

NM_004360.5(CDH1):c.639G>A (p.Trp213Ter)

Gene: CDH1 (cadherin 1; plus strand). Cytogenetic location: 16q22.1.
Variant type: single nucleotide variant.
Coding change: c.639G>A on transcript NM_004360.5 (MANE Select); coding-DNA position 639, G replaced by A.
Protein change: p.Trp213Ter; replaces tryptophan 213 with a stop codon.
Molecular consequence: nonsense. On other transcripts: 5 prime UTR variant (2).
Genome position (GRCh38, 1-based): chr16:68,808,800, G>A. VCF-style: chr16-68808800-G-A. GRCh37 (hg19) VCF-style: chr16-68842703-G-A.
Other names: c.639G>A, p.Trp213Ter (NM_001317184.2); c.-977G>A (NM_001317185.2); c.-1181G>A (NM_001317186.2); short protein forms W213*.
Identifiers: ClinVar variation 2584276 (VCV002584276.2), dbSNP rs2152130226, ClinGen allele CA396458065.

ClinVar aggregate classification (germline): Pathogenic (1 of 4 stars; one submission).

Conditions:
Hereditary diffuse gastric adenocarcinoma (HDGC). Also called: DIFFUSE GASTRIC AND LOBULAR BREAST CANCER SYNDROME. Identifiers: Orphanet 26106, MedGen C1708349, MONDO:0007648, OMIM 137215.

Submission:

Myriad Genetics, Inc.
Classification: Pathogenic for Hereditary diffuse gastric adenocarcinoma. Last evaluated: 2023-06-09. Review status: criteria provided, single submitter. Criteria: Myriad Autosomal Dominant, Autosomal Recessive and X-Linked Classification Criteria (2023). Collection method: clinical testing. Allele origin: unknown.
Comment: This variant is considered pathogenic. This variant creates a termination codon and is predicted to result in premature protein truncation.